The following is an entry in ClinVar:

ClinVar aggregate classification (germline): Pathogenic. Review status: criteria provided, multiple submitters, no conflicts (2 of 4 stars). 2 submissions from 2 submitters: Pathogenic (2). Last evaluated 2026-06-16.

Conditions:
Inborn genetic diseases. Identifiers: MedGen C0950123, MeSH D030342.

Submissions (2):

Ambry Genetics
Classification: Pathogenic for Inborn genetic diseases. Last evaluated: 2026-06-16. Review status: criteria provided, single submitter. Criteria: Ambry Variant Classification Scheme 2023. Collection method: clinical testing. Allele origin: germline.
Comment: The c.7252C>T (p.R2418*) alteration, located in exon 17 (coding exon 16) of the ASH1L gene, consists of a C to T substitution at nucleotide position 7252. This changes the amino acid from a arginine (R) to a stop codon at amino acid position 2418. This variant is expected to result in loss of function by premature protein truncation or nonsense-mediated mRNA decay. This variant was not reported in population-based cohorts in the Genome Aggregation Database (gnomAD). Based on the available evidence, this alteration is classified as pathogenic.

GeneDx
Classification: Pathogenic. Last evaluated: 2023-05-24. Review status: criteria provided, single submitter. Criteria: GeneDx Variant Classification Process June 2021. Collection method: clinical testing. Allele origin: germline. Affected: yes.
Comment: Nonsense variant predicted to result in protein truncation or nonsense mediated decay in a gene for which loss-of-function is a known mechanism of disease; Not observed in large population cohorts (gnomAD); Has not been previously published as pathogenic or benign to our knowledge

NM_018489.3(ASH1L):c.7252C>T (p.Arg2418Ter)

Gene: ASH1L (ASH1 like histone lysine methyltransferase; minus strand). Cytogenetic location: 1q22.
Variant type: single nucleotide variant.
Coding change: c.7252C>T on transcript NM_018489.3 (MANE Select); coding-DNA position 7252, C replaced by T.
Protein change: p.Arg2418Ter; replaces arginine 2418 with a stop codon.
Molecular consequence: nonsense.
Genome position (GRCh38, 1-based): chr1:155,352,820, G>A on the plus strand (C>T on the coding strand, the complement: ASH1L is on the minus strand). VCF-style: chr1-155352820-G-A. GRCh37 (hg19) VCF-style: chr1-155322611-G-A.
Other names: c.7267C>T, p.Arg2423Ter (NM_001366177.2); short protein forms R2418*, R2423*.
Identifiers: ClinVar variation 2503251 (VCV002503251.2), dbSNP rs1558023357, ClinGen allele CA342745589.